The following is an entry in ClinVar:

ClinVar aggregate classification (germline): Uncertain significance. Review status: criteria provided, multiple submitters, no conflicts (2 of 4 stars). 3 submissions from 3 submitters: Uncertain significance (3). Last evaluated 2024-08-21.

Conditions:
Familial cold autoinflammatory syndrome 2 (FCAS2). Identifiers: Orphanet 247868, MedGen C2673198, MONDO:0012724, OMIM 611762.

Allele frequency attached by ClinVar (database versions not stated): gnomAD exomes 0.00001; TOPMed 0.00001; ExAC 0.00002; gnomAD 0.00002 and 0.00004.
gnomAD v4.1: 35 of 1,614,058 alleles (0.0022%); highest among the groups gnomAD compares: Middle Eastern, 0.033%; no homozygotes.

Submissions (3):

Labcorp Genetics (formerly Invitae), Labcorp
Classification: Uncertain significance for Familial cold autoinflammatory syndrome 2. Last evaluated: 2024-08-21. Review status: criteria provided, single submitter. Criteria: Invitae Variant Classification Sherloc (09022015). Collection method: clinical testing. Allele origin: germline.
Comment: This sequence change replaces glutamic acid, which is acidic and polar, with lysine, which is basic and polar, at codon 287 of the NLRP12 protein (p.Glu287Lys). This variant is present in population databases (rs752992130, gnomAD 0.004%). This variant has not been reported in the literature in individuals affected with NLRP12-related conditions. ClinVar contains an entry for this variant (Variation ID: 1038215). Invitae Evidence Modeling of protein sequence and biophysical properties (such as structural, functional, and spatial information, amino acid conservation, physicochemical variation, residue mobility, and thermodynamic stability) indicates that this missense variant is not expected to disrupt NLRP12 protein function with a negative predictive value of 80%. In summary, the available evidence is currently insufficient to determine the role of this variant in disease. Therefore, it has been classified as a Variant of Uncertain Significance.

Blueprint Genetics
Classification: Uncertain significance. Last evaluated: 2024-06-12. Review status: criteria provided, single submitter. Criteria: ACMG Guidelines, 2015. Collection method: clinical testing. Allele origin: germline.

ARUP Laboratories, Molecular Genetics and Genomics, ARUP Laboratories
Classification: Uncertain significance for Familial cold autoinflammatory syndrome 2. Last evaluated: 2024-01-30. Review status: criteria provided, single submitter. Criteria: ARUP Molecular Germline Variant Investigation Process 2024. Collection method: clinical testing. Allele origin: germline.
Comment: The NLRP12 c.859G>A; p.Glu287Lys variant (rs752992130), to our knowledge, is not reported in the medical literature but is reported in ClinVar (Variation ID: 1038215). This variant is found on two alleles in the Genome Aggregation Database (v2.1.1). Computational analyses are uncertain whether this variant is neutral or deleterious (REVEL: 0.221). Due to limited information, the clinical significance of this variant is uncertain at this time.

NM_144687.4(NLRP12):c.859G>A (p.Glu287Lys)

Gene: NLRP12 (NLR family pyrin domain containing 12; minus strand). Cytogenetic location: 19q13.42.
Variant type: single nucleotide variant.
Coding change: c.859G>A on transcript NM_144687.4 (MANE Select); coding-DNA position 859, G replaced by A.
Protein change: p.Glu287Lys; replaces glutamic acid 287 with lysine.
Molecular consequence: missense variant.
Genome position (GRCh38, 1-based): chr19:53,810,800, C>T on the plus strand (G>A on the coding strand, the complement: NLRP12 is on the minus strand). VCF-style: chr19-53810800-C-T. GRCh37 (hg19) VCF-style: chr19-54314054-C-T.
Other names: c.859G>A, p.Glu287Lys (NM_001277126.2, NM_001277129.1); short protein forms E287K.
Identifiers: ClinVar variation 1038215 (VCV001038215.10), dbSNP rs752992130, ClinGen allele CA9639591.